The following is an entry in ClinVar:

ClinVar aggregate classification (germline): Uncertain significance (1 of 4 stars; one submission).

Allele frequency attached by ClinVar (database versions not stated): gnomAD exomes below 0.00001.
gnomAD v4.1: 1 of 1,613,178 alleles (0.000062%); highest among the groups gnomAD compares: Non-Finnish European, 0.000085%; no homozygotes.

Submission:

GeneDx
Classification: Uncertain significance. Last evaluated: 2019-04-24. Review status: criteria provided, single submitter. Criteria: GeneDx Variant Classification Process June 2021. Collection method: clinical testing. Allele origin: germline. Affected: yes.
Comment: Not observed in large population cohorts (Lek et al., 2016); Has not been previously published as pathogenic or benign to our knowledge

NM_206933.4(USH2A):c.4097T>C (p.Ile1366Thr)

Genes: USH2A (usherin; minus strand), USH2A-AS1 (USH2A antisense RNA 1; plus strand). Cytogenetic location: 1q41.
Variant type: single nucleotide variant.
Coding change: c.4097T>C on transcript NM_206933.4 (MANE Select); coding-DNA position 4097, T replaced by C.
Protein change: p.Ile1366Thr; replaces isoleucine 1366 with threonine.
Molecular consequence: missense variant.
Genome position (GRCh38, 1-based): chr1:216,196,707, A>G on the plus strand (T>C on the coding strand, the complement: USH2A is on the minus strand). VCF-style: chr1-216196707-A-G. GRCh37 (hg19) VCF-style: chr1-216370049-A-G.
Other names: c.4097T>C, p.Ile1366Thr (NM_007123.6); short protein forms I1366T.
Identifiers: ClinVar variation 1305283 (VCV001305283.2), dbSNP rs2102460721, ClinGen allele CA344866712.